The following is an entry in ClinVar:

ClinVar aggregate classification (germline): Uncertain significance (1 of 4 stars; one submission).

Conditions:
Inborn genetic diseases. Identifiers: MedGen C0950123, MeSH D030342.

Submission:

Ambry Genetics
Classification: Uncertain significance for Inborn genetic diseases. Last evaluated: 2026-06-15. Review status: criteria provided, single submitter. Criteria: Ambry Variant Classification Scheme 2023. Collection method: clinical testing. Allele origin: germline.
Comment: The p.S264R variant (also known as c.792C>A), located in coding exon 5 of the ELANE gene, results from a C to A substitution at nucleotide position 792. The serine at codon 264 is replaced by arginine, an amino acid with dissimilar properties. This amino acid position is conserved. In addition, the in silico prediction for this alteration is inconclusive. Based on the available evidence, the clinical significance of this variant remains unclear.

NM_001972.4(ELANE):c.792C>A (p.Ser264Arg)

Gene: ELANE (elastase, neutrophil expressed; plus strand). Cytogenetic location: 19p13.3.
Variant type: single nucleotide variant.
Coding change: c.792C>A on transcript NM_001972.4 (MANE Select); coding-DNA position 792, C replaced by A.
Protein change: p.Ser264Arg; replaces serine 264 with arginine.
Molecular consequence: missense variant.
Genome position (GRCh38, 1-based): chr19:856,152, C>A. VCF-style: chr19-856152-C-A. GRCh37 (hg19) VCF-style: chr19-856152-C-A.
Other names: short protein forms S264R.
Identifiers: ClinVar variation 5035874 (VCV005035874.1).